The following is an entry in ClinVar:

ClinVar aggregate classification (germline): Benign. Review status: criteria provided, multiple submitters, no conflicts (2 of 4 stars). 3 submissions from 3 submitters: Benign (3). Last evaluated 2024-07-15.

Allele frequency attached by ClinVar (database versions not stated): TOPMed 0.89222; 1000 Genomes Project 30x 0.89241; ESP Exome Variant Server 0.89575; gnomAD 0.89616 and 0.90095; 1000 Genomes Project 0.89696; gnomAD exomes 0.95613.
gnomAD v4.1: 1,035,359 of 1,092,314 alleles (95%); highest among the groups gnomAD compares: East Asian, 100%; 492,430 homozygotes.

Submissions (3):

Unidad de Genómica Garrahan, Hospital de Pediatría Garrahan
Classification: Benign. Last evaluated: 2024-07-15. Review status: criteria provided, single submitter. Criteria: ACMG Guidelines, 2015. Collection method: clinical testing. Allele origin: germline. Affected: no. Observed: 93 variant alleles.
Comment: This variant is classified as Benign based on local population frequency. This variant was detected in 100% of patients studied in a panel designed for Epileptic and Developmental Encephalopathy and Progressive Myoclonus Epilepsy. Number of patients: 93. Only high quality variants are reported.

GeneDx
Classification: Benign. Last evaluated: 2020-11-20. Review status: criteria provided, single submitter. Criteria: GeneDx Variant Classification Process June 2021. Collection method: clinical testing. Allele origin: germline. Affected: yes.

Breakthrough Genomics
Classification: Benign. Review status: criteria provided, single submitter. Criteria: ACMG Guidelines, 2015. Collection method: not provided. Allele origin: germline. Inheritance: Autosomal recessive inheritance. Affected: yes.

NM_015192.4(PLCB1):c.3279-57A>C

Gene: PLCB1 (phospholipase C beta 1; plus strand). Cytogenetic location: 20p12.3.
Variant type: single nucleotide variant.
Coding change: c.3279-57A>C on transcript NM_015192.4 (MANE Select); 57 bases into the intron before coding-DNA position 3279, A replaced by C.
Molecular consequence: intron variant.
Genome position (GRCh38, 1-based): chr20:8,789,461, A>C. VCF-style: chr20-8789461-A-C. GRCh37 (hg19) VCF-style: chr20-8770108-A-C.
Other names: c.3279-57A>C (NM_182734.3).
Identifiers: ClinVar variation 1265307 (VCV001265307.5), dbSNP rs4633993, ClinGen allele CA14837903.